The following is an entry in ClinVar:

NM_001127222.2(CACNA1A):c.3625C>A (p.Arg1209Ser)

Gene: CACNA1A (calcium voltage-gated channel subunit alpha1 A; minus strand). Cytogenetic location: 19p13.13.
Variant type: single nucleotide variant.
Coding change: c.3625C>A on transcript NM_001127222.2 (MANE Select); coding-DNA position 3625, C replaced by A.
Protein change: p.Arg1209Ser; replaces arginine 1209 with serine.
Molecular consequence: missense variant.
Genome position (GRCh38, 1-based): chr19:13,285,135, G>T on the plus strand (C>A on the coding strand, the complement: CACNA1A is on the minus strand). VCF-style: chr19-13285135-G-T. GRCh37 (hg19) VCF-style: chr19-13395949-G-T.
Other names: p.Arg1210Ser; c.3637C>A, p.Arg1213Ser (NM_000068.4, NM_023035.3); c.3628C>A, p.Arg1210Ser (NM_001127221.2, NM_001174080.2); short protein forms R1213S, R1209S, R1210S.
Identifiers: ClinVar variation 834728 (VCV000834728.13), dbSNP rs781026181, ClinGen allele CA404340963.
Genomic context (GRCh38, chr19:13,285,135, plus strand): 5'-TCGTGGACAGGATGAACATGGAGCTATAGGGAGGCATTGGCTTAGGGCCGTCTTCCCCAC[G>T]GTCGTCTTCCTCCTCCTCCTTCTTCTCTTCCTCTTTTTTTGGCAGTGGGTCTGGGTTGGC-3'
Protein context (NP_001120694.1, residues 1199-1219): EEKKEEEEDD[Arg1209Ser]GEDGPKPMPP

ClinVar aggregate classification (germline): Uncertain significance. Review status: criteria provided, multiple submitters, no conflicts (2 of 4 stars). 4 submissions from 4 submitters: Uncertain significance (4). Last evaluated 2024-12-27.

Conditions:
Developmental and epileptic encephalopathy, 42 (DEE42A). Also called: Epileptic encephalopathy, early infantile, 42; DEVELOPMENTAL AND EPILEPTIC ENCEPHALOPATHY 42A; EPILEPTIC ENCEPHALOPATHY, EARLY INFANTILE, 42A. Identifiers: MedGen C4310716, MONDO:0014917, OMIM 617106.
Episodic ataxia type 2 (EA2). Also called: EPISODIC ATAXIA, NYSTAGMUS-ASSOCIATED; ACETAZOLAMIDE-RESPONSIVE HEREDITARY PAROXYSMAL CEREBELLAR ATAXIA; ATAXIA, EPISODIC, WITH NYSTAGMUS; ATAXIA, FAMILIAL PAROXYSMAL; CEREBELLAR ATAXIA, PAROXYSMAL, ACETAZOLAMIDE-RESPONSIVE; CEREBELLOPATHY, HEREDITARY PAROXYSMAL. Identifiers: Orphanet 97, MedGen C1720416, MONDO:0007163, OMIM 108500.
Inborn genetic diseases. Identifiers: MedGen C0950123, MeSH D030342.

gnomAD v4.1: 6 of 1,613,784 alleles (0.00037%); highest among the groups gnomAD compares: Admixed American, 0.0083%; no homozygotes.

Submissions (4):

Labcorp Genetics (formerly Invitae), Labcorp
Classification: Uncertain significance for Developmental and epileptic encephalopathy, 42; Episodic ataxia type 2. Last evaluated: 2024-12-27. Review status: criteria provided, single submitter. Criteria: Invitae Variant Classification Sherloc (09022015). Collection method: clinical testing. Allele origin: germline.
Comment: This sequence change replaces arginine, which is basic and polar, with serine, which is neutral and polar, at codon 1210 of the CACNA1A protein (p.Arg1210Ser). This variant is not present in population databases (gnomAD no frequency). This variant has not been reported in the literature in individuals affected with CACNA1A-related conditions. ClinVar contains an entry for this variant (Variation ID: 834728). Invitae Evidence Modeling of protein sequence and biophysical properties (such as structural, functional, and spatial information, amino acid conservation, physicochemical variation, residue mobility, and thermodynamic stability) indicates that this missense variant is not expected to disrupt CACNA1A protein function with a negative predictive value of 95%. In summary, the available evidence is currently insufficient to determine the role of this variant in disease. Therefore, it has been classified as a Variant of Uncertain Significance.

Ambry Genetics
Classification: Uncertain significance for Inborn genetic diseases. Last evaluated: 2024-10-25. Review status: criteria provided, single submitter. Criteria: Ambry Variant Classification Scheme 2023. Collection method: clinical testing. Allele origin: germline.

GeneDx
Classification: Uncertain significance. Last evaluated: 2024-09-17. Review status: criteria provided, single submitter. Criteria: GeneDx Variant Classification Process June 2021. Collection method: clinical testing. Allele origin: germline. Affected: yes.
Comment: Not observed in large population cohorts (gnomAD); In silico analysis supports that this missense variant does not alter protein structure/function; Has not been previously published as pathogenic or benign to our knowledge

Mayo Clinic Laboratories, Mayo Clinic
Classification: Uncertain significance. Last evaluated: 2023-09-13. Review status: criteria provided, single submitter. Criteria: ACMG Guidelines, 2015. Collection method: clinical testing. Allele origin: germline. Observed: 1 variant allele.
Comment: BP4, PM2_moderate